The following is an entry in ClinVar:

NM_005993.5(TBCD):c.1679C>T (p.Thr560Met)

Gene: TBCD (tubulin folding cofactor D). Cytogenetic location: 17q25.3.
Variant type: single nucleotide variant.
Coding change: c.1679C>T on transcript NM_005993.5 (MANE Select); coding-DNA position 1679, C replaced by T.
Protein change: p.Thr560Met; replaces threonine 560 with methionine.
Molecular consequence: missense variant.
Genome position (GRCh38, 1-based): chr17:82,900,680, C>T. VCF-style: chr17-82900680-C-T. GRCh37 (hg19) VCF-style: chr17-80858556-C-T.
Other names: c.1628C>T, p.Thr543Met (NM_001411101.1); short protein forms T543M, T560M.
Identifiers: ClinVar variation 2421617 (VCV002421617.5), dbSNP rs372480807, ClinGen allele CA8862709.

ClinVar aggregate classification (germline): Uncertain significance (1 of 4 stars; one submission).

Allele frequency attached by ClinVar (database versions not stated): gnomAD exomes 0.00001; TOPMed 0.00001; ExAC 0.00002; gnomAD 0.00002; ESP Exome Variant Server 0.00008.
gnomAD v4.1: 15 of 1,613,868 alleles (0.00093%); highest among the groups gnomAD compares: South Asian, 0.0044%; no homozygotes.

Submission:

Labcorp Genetics (formerly Invitae), Labcorp
Classification: Uncertain significance. Last evaluated: 2024-04-11. Review status: criteria provided, single submitter. Criteria: Invitae Variant Classification Sherloc (09022015). Collection method: clinical testing. Allele origin: germline.
Comment: This sequence change replaces threonine, which is neutral and polar, with methionine, which is neutral and non-polar, at codon 560 of the TBCD protein (p.Thr560Met). This variant is present in population databases (rs372480807, gnomAD 0.003%). This variant has not been reported in the literature in individuals affected with TBCD-related conditions. ClinVar contains an entry for this variant (Variation ID: 2421617). Advanced modeling of protein sequence and biophysical properties (such as structural, functional, and spatial information, amino acid conservation, physicochemical variation, residue mobility, and thermodynamic stability) has been performed at Invitae for this missense variant, however the output from this modeling did not meet the statistical confidence thresholds required to predict the impact of this variant on TBCD protein function. In summary, the available evidence is currently insufficient to determine the role of this variant in disease. Therefore, it has been classified as a Variant of Uncertain Significance.